The following is an entry in ClinVar:

ClinVar aggregate classification (germline): Uncertain significance (1 of 4 stars; one submission).

Conditions:
Bardet-Biedl syndrome (BBS). Identifiers: Orphanet 110, MedGen C0752166, MONDO:0015229.

Submission:

Labcorp Genetics (formerly Invitae), Labcorp
Classification: Uncertain significance for Bardet-Biedl syndrome. Last evaluated: 2022-01-11. Review status: criteria provided, single submitter. Criteria: Invitae Variant Classification Sherloc (09022015). Collection method: clinical testing. Allele origin: germline.
Comment: This sequence change replaces valine, which is neutral and non-polar, with leucine, which is neutral and non-polar, at codon 471 of the BBS12 protein (p.Val471Leu). This variant is not present in population databases (gnomAD no frequency). This variant has not been reported in the literature in individuals affected with BBS12-related conditions. Algorithms developed to predict the effect of missense changes on protein structure and function are either unavailable or do not agree on the potential impact of this missense change (SIFT: "Deleterious"; PolyPhen-2: "Possibly Damaging"; Align-GVGD: "Class C0"). In summary, the available evidence is currently insufficient to determine the role of this variant in disease. Therefore, it has been classified as a Variant of Uncertain Significance.

NM_152618.3(BBS12):c.1411G>T (p.Val471Leu)

Gene: BBS12 (Bardet-Biedl syndrome 12; plus strand). Cytogenetic location: 4q27.
Variant type: single nucleotide variant.
Coding change: c.1411G>T on transcript NM_152618.3 (MANE Select); coding-DNA position 1411, G replaced by T.
Protein change: p.Val471Leu; replaces valine 471 with leucine.
Molecular consequence: missense variant.
Genome position (GRCh38, 1-based): chr4:122,743,303, G>T. VCF-style: chr4-122743303-G-T. GRCh37 (hg19) VCF-style: chr4-123664458-G-T.
Other names: c.1411G>T, p.Val471Leu (NM_001178007.2); short protein forms V471L.
Identifiers: ClinVar variation 1443117 (VCV001443117.3), dbSNP rs140675688, ClinGen allele CA358225056.